The following is an entry in ClinVar:

NM_005732.4(RAD50):c.410A>T (p.Asp137Val)

Gene: RAD50 (RAD50 double strand break repair protein; plus strand). Cytogenetic location: 5q31.1.
Variant type: single nucleotide variant.
Coding change: c.410A>T on transcript NM_005732.4 (MANE Select); coding-DNA position 410, A replaced by T.
Protein change: p.Asp137Val; replaces aspartic acid 137 with valine.
Molecular consequence: missense variant.
Genome position (GRCh38, 1-based): chr5:132,579,361, A>T. VCF-style: chr5-132579361-A-T. GRCh37 (hg19) VCF-style: chr5-131915053-A-T.
Other names: short protein forms D137V.
Identifiers: ClinVar variation 849657 (VCV000849657.10), dbSNP rs768038964, ClinGen allele CA360933707.

ClinVar aggregate classification (germline): Uncertain significance (1 of 4 stars; one submission).

Conditions:
Hereditary cancer-predisposing syndrome. Also called: Tumor predisposition; Neoplastic Syndromes, Hereditary; Hereditary neoplastic syndrome; Hereditary Cancer Syndrome. Identifiers: Orphanet 140162, MedGen C0027672, MeSH D009386, MONDO:0015356.

Submission:

Labcorp Genetics (formerly Invitae), Labcorp
Classification: Uncertain significance for Hereditary cancer-predisposing syndrome. Last evaluated: 2020-04-12. Review status: criteria provided, single submitter. Criteria: Invitae Variant Classification Sherloc (09022015). Collection method: clinical testing. Allele origin: germline.
Comment: In summary, the available evidence is currently insufficient to determine the role of this variant in disease. Therefore, it has been classified as a Variant of Uncertain Significance. Algorithms developed to predict the effect of missense changes on protein structure and function (SIFT, PolyPhen-2, Align-GVGD) all suggest that this variant is likely to be disruptive, but these predictions have not been confirmed by published functional studies and their clinical significance is uncertain. This variant has not been reported in the literature in individuals with RAD50-related conditions. This variant is not present in population databases (ExAC no frequency). This sequence change replaces aspartic acid with valine at codon 137 of the RAD50 protein (p.Asp137Val). The aspartic acid residue is highly conserved and there is a large physicochemical difference between aspartic acid and valine.